The following is an entry in ClinVar:

ClinVar aggregate classification (germline): Uncertain significance. Review status: criteria provided, multiple submitters, no conflicts (2 of 4 stars). 3 submissions from 3 submitters: Uncertain significance (3). Last evaluated 2025-09-05.

Conditions:
X-linked intellectual disability, Cantagrel type (XLID98). Also called: INTELLECTUAL DEVELOPMENTAL DISORDER, X-LINKED 98. Identifiers: Orphanet 85277, MedGen C3806730, MONDO:0010483, OMIM 300912.

Submissions (3):

Labcorp Genetics (formerly Invitae), Labcorp
Classification: Uncertain significance. Last evaluated: 2025-09-05. Review status: criteria provided, single submitter. Criteria: Invitae Variant Classification Sherloc (09022015). Collection method: clinical testing. Allele origin: germline.
Comment: This sequence change replaces glycine, which is neutral and non-polar, with glutamic acid, which is acidic and polar, at codon 215 of the NEXMIF protein (p.Gly215Glu). This variant is not present in population databases (gnomAD no frequency). This variant has not been reported in the literature in individuals affected with NEXMIF-related conditions. ClinVar contains an entry for this variant (Variation ID: 1319372). An algorithm developed to predict the effect of missense changes on protein structure and function (PolyPhen-2) suggests that this variant is likely to be tolerated. In summary, the available evidence is currently insufficient to determine the role of this variant in disease. Therefore, it has been classified as a Variant of Uncertain Significance.

Pittsburgh Clinical Genomics Laboratory, University of Pittsburgh Medical Center
Classification: Uncertain significance for X-linked intellectual disability, Cantagrel type. Last evaluated: 2024-06-14. Review status: criteria provided, single submitter. Criteria: ACMG Guidelines, 2015. Collection method: clinical testing. Allele origin: germline. Inheritance: X-linked dominant inheritance. Affected: yes.
Comment: This sequence variant is a single nucleotide substitution (G>A) at position 644 of the coding sequence of the NEXMIF gene that results in a glycine to glutamic acid amino acid change at residue 215 of the neurite extension and migration factor protein. This is a previously reported variant (ClinVar 1319372) that has not been observed in individuals affected by NEXMIF-related conditions in the published literature, to our knowledge. This variant is absent from the gnomAD v4.1.0 population database (0/~1209000 alleles). Predictions from multiple bioinformatic tools provided conflicting predictions concerning the impact of this amino acid change, and the Gly215 residue at this position is highly conserved across the vertebrate species examined. Studies examining the functional consequence of this variant have not been published, to our knowledge. At this time, there is insufficient evidence to determine if this variant is pathogenic or benign. Therefore, we consider this a variant of uncertain significance. ACMG Criteria: PM2

Institute for Clinical Genetics, University Hospital TU Dresden, University Hospital TU Dresden
Classification: Uncertain significance. Last evaluated: 2021-11-03. Review status: criteria provided, single submitter. Criteria: ACMG Guidelines, 2015. Collection method: clinical testing. Allele origin: germline.

NM_001008537.3(NEXMIF):c.644G>A (p.Gly215Glu)

Gene: NEXMIF (neurite extension and migration factor; minus strand). Cytogenetic location: Xq13.3.
Variant type: single nucleotide variant.
Coding change: c.644G>A on transcript NM_001008537.3 (MANE Select); coding-DNA position 644, G replaced by A.
Protein change: p.Gly215Glu; replaces glycine 215 with glutamic acid.
Molecular consequence: missense variant.
Genome position (GRCh38, 1-based): chrX:74,743,913, C>T on the plus strand (G>A on the coding strand, the complement: NEXMIF is on the minus strand). VCF-style: chrX-74743913-C-T. GRCh37 (hg19) VCF-style: chrX-73963748-C-T.
Other names: short protein forms G215E.
Identifiers: ClinVar variation 1319372 (VCV001319372.5), dbSNP rs2147441499, ClinGen allele CA413672867.